The following is an entry in ClinVar:

NM_020376.4(PNPLA2):c.792del (p.Leu264fs)

Gene: PNPLA2 (patatin like domain 2, triacylglycerol lipase; plus strand). Cytogenetic location: 11p15.5.
Variant type: Deletion.
Coding change: c.792del on transcript NM_020376.4 (MANE Select); coding-DNA position 792, one base deleted (G; older notation c.792delG).
Protein change: p.Leu264fs; shifts the reading frame from leucine 264.
Molecular consequence: frameshift variant.
Genome position (GRCh38, 1-based): chr11:823,728, G deleted. VCF-style (leftmost placement, unchanged base first): chr11-823727-TG-T. GRCh37 (hg19) VCF-style: chr11-823727-TG-T.
Other names: short protein forms L264fs.
Identifiers: ClinVar variation 1069764 (VCV001069764.11), dbSNP rs2133849513, ClinGen allele CA2499221349.

ClinVar aggregate classification (germline): Pathogenic/Likely pathogenic. Review status: criteria provided, multiple submitters, no conflicts (2 of 4 stars). 3 submissions from 3 submitters: Pathogenic (1); Likely pathogenic (2). Last evaluated 2025-08-19.

Conditions:
Neutral lipid storage myopathy (NLSDM). Also called: NEUTRAL LIPID STORAGE DISEASE WITHOUT ICHTHYOSIS. Identifiers: Orphanet 98908, MedGen C1853136, MONDO:0012545, OMIM 610717.

Submissions (3):

Dasa
Classification: Likely pathogenic. Last evaluated: 2025-08-19. Review status: criteria provided, single submitter. Criteria: DASA Assertion Criteria. Collection method: clinical testing. Allele origin: germline.
Comment: NM_020376.4(PNPLA2):c.792del (p.Leu264Phefs*56) is a frameshift variant in PNPLA2 predicted to alter the reading frame and introduce a premature termination codon and is predicted to result in an absent or altered protein product. Loss of function is an established disease mechanism for PNPLA2-associated disorders. Also, this variant is absent from population databases. Based on the currently available evidence, this variant is classified as likely pathogenic.

Department of Pathology and Laboratory Medicine, Sinai Health System
Classification: Likely pathogenic for Neutral lipid storage myopathy. Last evaluated: 2023-02-05. Review status: criteria provided, single submitter. Criteria: ACMG Guidelines, 2015. Collection method: research. Allele origin: germline.

Labcorp Genetics (formerly Invitae), Labcorp
Classification: Pathogenic for Neutral lipid storage myopathy. Last evaluated: 2022-09-27. Review status: criteria provided, single submitter. Criteria: Invitae Variant Classification Sherloc (09022015). Collection method: clinical testing. Allele origin: germline.
Comment: This sequence change creates a premature translational stop signal (p.Leu264Phefs*56) in the PNPLA2 gene. It is expected to result in an absent or disrupted protein product. Loss-of-function variants in PNPLA2 are known to be pathogenic (PMID: 17187067). This variant is not present in population databases (gnomAD no frequency). This variant has not been reported in the literature in individuals affected with PNPLA2-related conditions. ClinVar contains an entry for this variant (Variation ID: 1069764). For these reasons, this variant has been classified as Pathogenic.

Literature cited by the submitters: PubMed 17187067 (cited by Labcorp Genetics (formerly Invitae), Labcorp).